The following is an entry in ClinVar:

NM_001807.6(CEL):c.895+188dup

Gene: CEL (carboxyl ester lipase; plus strand). Cytogenetic location: 9q34.13.
Variant type: Duplication.
Coding change: c.895+188dup on transcript NM_001807.6 (MANE Select); 188 bases into the intron after coding-DNA position 895, one base duplicated (T; older notation c.895+188dupT).
Molecular consequence: intron variant.
Genome position (GRCh38, 1-based): chr9:133,067,393, T duplicated; the last of 9 consecutive T bases (chr9:133,067,385-133,067,393); duplicating any one gives the same sequence. VCF-style (leftmost placement, unchanged base first): chr9-133067384-C-CT. GRCh37 (hg19) VCF-style: chr9-135942771-C-CT.
Identifiers: ClinVar variation 1683973 (VCV001683973.2), dbSNP rs113086096, ClinGen allele CA200922626.
Genomic context (GRCh38, chr9:133,067,384, plus strand): 5'-AACTAGCTGGTGTCTCCCCTCGAAGGCCCCAGCTGTAAGGGAGAGGGGGTGCCGTTTCTT[C>CT]TTTTTTTTTGAGATGGAGTCTCACTGTTGCCCAGGCTGGAGTGCAGTGTCACGATCTCAG-3'

ClinVar aggregate classification (germline): Likely benign (1 of 4 stars; one submission).

Submission:

GeneDx
Classification: Likely benign. Last evaluated: 2021-03-08. Review status: criteria provided, single submitter. Criteria: GeneDx Variant Classification Process June 2021. Collection method: clinical testing. Allele origin: germline. Affected: yes.
Comment: See Variant Classification Assertion Criteria.